The following is an entry in ClinVar:

ClinVar aggregate classification (germline): Uncertain significance. Review status: criteria provided, multiple submitters, no conflicts (2 of 4 stars). 2 submissions from 2 submitters: Uncertain significance (2). Last evaluated 2026-04-17.

Conditions:
Inborn genetic diseases. Identifiers: MedGen C0950123, MeSH D030342.

Allele frequency attached by ClinVar (database versions not stated): gnomAD exomes below 0.00001.
gnomAD v4.1: 5 of 1,212,415 alleles (0.00041%); highest among the groups gnomAD compares: Non-Finnish European, 0.00056%; no homozygotes.

Submissions (2):

Women's Health and Genetics/Laboratory Corporation of America, LabCorp
Classification: Uncertain significance. Last evaluated: 2026-04-17. Review status: criteria provided, single submitter. Criteria: LabCorp Variant Classification Summary - May 2015. Collection method: clinical testing. Allele origin: germline.
Comment: Variant summary: ATP2B3 c.1697C>T (p.Pro566Leu) results in a non-conservative amino acid change in the encoded protein sequence. Algorithms developed to predict the effect of missense changes on protein structure and function all suggest that this variant is likely to be disruptive. The variant was absent in 183454 control chromosomes. The available data on variant occurrences in the general population are insufficient to allow any conclusion about variant significance. To our knowledge, no occurrence of c.1697C>T in individuals affected with ATP2B3-related conditions and no experimental evidence demonstrating its impact on protein function have been reported. ClinVar contains an entry for this variant (Variation ID: 3131545). Based on the evidence outlined above, the variant was classified as uncertain significance.

Ambry Genetics
Classification: Uncertain significance for Inborn genetic diseases. Last evaluated: 2023-12-07. Review status: criteria provided, single submitter. Criteria: Ambry Variant Classification Scheme 2023. Collection method: clinical testing. Allele origin: germline.

NM_001001344.3(ATP2B3):c.1697C>T (p.Pro566Leu)

Gene: ATP2B3 (ATPase plasma membrane Ca2+ transporting 3; plus strand). Cytogenetic location: Xq28.
Variant type: single nucleotide variant.
Coding change: c.1697C>T on transcript NM_001001344.3 (MANE Select); coding-DNA position 1697, C replaced by T.
Protein change: p.Pro566Leu; replaces proline 566 with leucine.
Molecular consequence: missense variant.
Genome position (GRCh38, 1-based): chrX:153,550,160, C>T. VCF-style: chrX-153550160-C-T. GRCh37 (hg19) VCF-style: chrX-152815618-C-T.
Other names: c.1697C>T, p.Pro566Leu (NM_001388360.1, NM_001388361.1, NM_001388362.1 and 1 more transcripts); c.1655C>T, p.Pro552Leu (NM_001410708.1); short protein forms P566L, P552L.
Identifiers: ClinVar variation 3131545 (VCV003131545.2), dbSNP rs1433263793, ClinGen allele CA415084841.